The following is an entry in ClinVar:

ClinVar aggregate classification (germline): Benign/Likely benign. Review status: criteria provided, multiple submitters, no conflicts (2 of 4 stars). 5 submissions from 5 submitters: Benign (1); Likely benign (3). 1 of the submissions does not count toward it. Last evaluated 2025-12-03.

Conditions:
Hereditary cancer-predisposing syndrome. Also called: Neoplastic Syndromes, Hereditary; Hereditary Cancer Syndrome; Hereditary neoplastic syndrome; Tumor predisposition. Identifiers: Orphanet 140162, MedGen C0027672, MeSH D009386, MONDO:0015356.
Mitochondrial complex II deficiency, nuclear type 1. Also called: SUCCINATE CoQ REDUCTASE DEFICIENCY. Identifiers: Orphanet 3208, MedGen C5700310, MONDO:0100294, OMIM 252011.
Pheochromocytoma/paraganglioma syndrome 5. Also called: Paragangliomas 5; SDHA-Related Hereditary Paraganglioma-Pheochromocytoma Syndrome. Identifiers: Orphanet 29072, MedGen C3279992, MONDO:0013602, OMIM 614165.
SDHA-related disorder. Also called: SDHA-related condition; SDHA-related disorders.

Allele frequency attached by ClinVar (database versions not stated): gnomAD exomes below 0.00001; ExAC 0.00001.

Submissions (5):

Labcorp Genetics (formerly Invitae), Labcorp
Classification: Likely benign for Pheochromocytoma/paraganglioma syndrome 5; Mitochondrial complex II deficiency, nuclear type 1. Last evaluated: 2025-12-03. Review status: criteria provided, single submitter. Criteria: Invitae Variant Classification Sherloc (09022015). Collection method: clinical testing. Allele origin: germline.

Myriad Genetics, Inc.
Classification: Benign for Pheochromocytoma/paraganglioma syndrome 5. Last evaluated: 2025-03-10. Review status: criteria provided, single submitter. Criteria: Myriad Autosomal Dominant, Autosomal Recessive and X-Linked Classification Criteria (2023). Collection method: clinical testing. Allele origin: unknown.
Comment: This variant is considered benign. This variant is a silent/synonymous amino acid change and it is not expected to impact splicing.

Quest Diagnostics Nichols Institute San Juan Capistrano
Classification: Likely benign. Last evaluated: 2022-08-09. Review status: criteria provided, single submitter. Criteria: Quest Diagnostics criteria. Collection method: clinical testing. Allele origin: unknown.

Ambry Genetics
Classification: Likely benign for Hereditary cancer-predisposing syndrome. Last evaluated: 2014-09-24. Review status: criteria provided, single submitter. Criteria: Ambry Variant Classification Scheme 2023. Collection method: clinical testing. Allele origin: germline.

PreventionGenetics, part of Exact Sciences
Classification: Likely benign for SDHA-related condition. Last evaluated: 2022-04-28. Review status: no assertion criteria provided. Collection method: clinical testing. Allele origin: germline. Not counted in ClinVar's aggregate classification.
Comment: This variant is classified as likely benign based on ACMG/AMP sequence variant interpretation guidelines (Richards et al. 2015 PMID: 25741868, with internal and published modifications).

NM_004168.4(SDHA):c.1378C>T (p.Leu460=)

Gene: SDHA (succinate dehydrogenase complex flavoprotein subunit A; plus strand). Cytogenetic location: 5p15.33.
Variant type: single nucleotide variant.
Coding change: c.1378C>T on transcript NM_004168.4 (MANE Select); coding-DNA position 1378, C replaced by T.
Protein change: p.Leu460=; no amino-acid change (leucine 460 retained).
Molecular consequence: synonymous variant.
Genome position (GRCh38, 1-based): chr5:236,545, C>T. VCF-style: chr5-236545-C-T. GRCh37 (hg19) VCF-style: chr5-236660-C-T.
Other names: c.1234C>T, p.Leu412= (NM_001294332.2); c.1378C>T, p.Leu460= (NM_001330758.2).
Identifiers: ClinVar variation 472326 (VCV000472326.20), dbSNP rs760686493, ClinGen allele CA3173210.